The following is an entry in ClinVar:

ClinVar aggregate classification (germline): Uncertain significance. Review status: reviewed by expert panel (3 of 4 stars). 3 submissions from 3 submitters: Uncertain significance (1). 2 of the submissions do not count toward it. Last evaluated 2025-01-15.

Conditions:
Hereditary thrombocytopenia and hematological cancer predisposition syndrome associated with RUNX1. Also called: Familial thrombocytopenia with propensity to acute myelogenous leukemia; PLATELET DISORDER, ASPIRIN-LIKE; RUNX1 Familial Platelet Disorder with Associated Myeloid Malignancies; Familial Platelet Disorder with Propensity to Acute Myelogenous Leukemia. Identifiers: Orphanet 71290, MedGen C1832388, MeSH C563324, MONDO:0100083, OMIM 601399.
Hereditary thrombocytopenia and hematologic cancer predisposition syndrome. Identifiers: Orphanet 71290, MedGen CN281654, MONDO:0011071.

Submissions (3):

ClinGen Myeloid Malignancy Variant Curation Expert Panel
Classification: Uncertain significance for Hereditary thrombocytopenia and hematologic cancer predisposition syndrome. Last evaluated: 2025-01-15. Review status: reviewed by expert panel. Criteria: ClinGen MyeloMalig ACMG Specifications v2. Collection method: curation. Allele origin: germline. Inheritance: Autosomal dominant inheritance.
Comment: NM_001754.5(RUNX1):c.482T>C (p.Leu161Pro) is a missense variant which has a REVEL score ≥ 0.88 (0.98) (PP3). This variant is completely absent from all population databases with at least 20x coverage for RUNX1 (PM2_supporting). This missense variant is located within the Runt Homology Domain (AA 89-204), but does not occur in an established hotspot residue (PM1_supporting). This variant has been reported in one proband meeting at least one of the RUNX1-phenotypic criteria (PS4_supporting; PMID: 37415731). In summary, the clinical significance of this variant is uncertain. ACMG/AMP criteria applied, as specified by the Myeloid Malignancy Variant Curation Expert Panel for RUNX1: PP3, PM2_supporting, PM1_supporting, PS4_supporting.

Labcorp Genetics (formerly Invitae), Labcorp
Classification: Uncertain significance for Hereditary thrombocytopenia and hematological cancer predisposition syndrome associated with RUNX1. Last evaluated: 2024-04-16. Review status: criteria provided, single submitter. Criteria: Invitae Variant Classification Sherloc (09022015). Collection method: clinical testing. Allele origin: germline. Not counted in ClinVar's aggregate classification.
Comment: This sequence change replaces leucine, which is neutral and non-polar, with proline, which is neutral and non-polar, at codon 161 of the RUNX1 protein (p.Leu161Pro). This variant is not present in population databases (gnomAD no frequency). This variant has not been reported in the literature in individuals affected with RUNX1-related conditions. ClinVar contains an entry for this variant (Variation ID: 1012104). Advanced modeling of protein sequence and biophysical properties (such as structural, functional, and spatial information, amino acid conservation, physicochemical variation, residue mobility, and thermodynamic stability) performed at Invitae indicates that this missense variant is expected to disrupt RUNX1 protein function with a positive predictive value of 80%. In summary, the available evidence is currently insufficient to determine the role of this variant in disease. Therefore, it has been classified as a Variant of Uncertain Significance.

Blueprint Genetics
Classification: Uncertain significance. Last evaluated: 2019-03-27. Review status: criteria provided, single submitter. Criteria: ACMG Guidelines, 2015. Collection method: clinical testing. Allele origin: germline. Not counted in ClinVar's aggregate classification.

NM_001754.5(RUNX1):c.482T>C (p.Leu161Pro)

Genes: RUNX1 (RUNX family transcription factor 1; minus strand), RUNX1-AS1 (RUNX1 antisense RNA 1; plus strand). Cytogenetic location: 21q22.12.
Variant type: single nucleotide variant.
Coding change: c.482T>C on transcript NM_001754.5 (MANE Select); coding-DNA position 482, T replaced by C.
Protein change: p.Leu161Pro; replaces leucine 161 with proline.
Molecular consequence: missense variant.
Genome position (GRCh38, 1-based): chr21:34,880,583, A>G on the plus strand (T>C on the coding strand, the complement: RUNX1 is on the minus strand). VCF-style: chr21-34880583-A-G. GRCh37 (hg19) VCF-style: chr21-36252880-A-G.
Other names: NM_001754.5(RUNX1):c.482T>C; p.Leu161Pro; c.401T>C, p.Leu134Pro (NM_001001890.3, NM_001122607.2); short protein forms L134P, L161P.
Identifiers: ClinVar variation 1012104 (VCV001012104.12), dbSNP rs2057885248, ClinGen allele CA410202514.